The following is an entry in ClinVar:

NM_001042517.2(DIAPH3):c.3248C>T (p.Pro1083Leu)

Gene: DIAPH3 (diaphanous related formin 3; minus strand). Cytogenetic location: 13q21.2.
Variant type: single nucleotide variant.
Coding change: c.3248C>T on transcript NM_001042517.2 (MANE Select); coding-DNA position 3248, C replaced by T.
Protein change: p.Pro1083Leu; replaces proline 1083 with leucine.
Molecular consequence: missense variant.
Genome position (GRCh38, 1-based): chr13:59,774,739, G>A on the plus strand (C>T on the coding strand, the complement: DIAPH3 is on the minus strand). VCF-style: chr13-59774739-G-A. GRCh37 (hg19) VCF-style: chr13-60348873-G-A.
Other names: c.3215C>T, p.Pro1072Leu (NM_001258366.2); c.3110C>T, p.Pro1037Leu (NM_001258367.2); c.3038C>T, p.Pro1013Leu (NM_001258368.2); c.3248C>T, p.Pro1083Leu (NM_001258369.2); c.2459C>T, p.Pro820Leu (NM_030932.4); short protein forms P1013L, P820L, P1072L, P1083L, P1037L.
Identifiers: ClinVar variation 2994785 (VCV002994785.3), dbSNP rs376432274, ClinGen allele CA6996111.
Genomic context (GRCh38, chr13:59,774,739, plus strand): 5'-CTCTGTGATAGCTCCCTAGAAAGTAACATGAAACAAGTATAGGGTTCACCTTTTGGCATC[G>A]GTGTCCTTTTTCTTCTGTCGCGGAAGGCAGCCCCGGACTGCAAGGCCTCCAGCAGATTAT-3'
Protein context (NP_001035982.1, residues 1073-1093): AAFRDRRKRT[Pro1083Leu]MPKDVRQSLS

ClinVar aggregate classification (germline): Uncertain significance (1 of 4 stars; one submission).

Allele frequency attached by ClinVar (database versions not stated): gnomAD exomes 0.00001; ExAC 0.00002; TOPMed 0.00002; gnomAD 0.00003; ESP Exome Variant Server 0.00008.
gnomAD v4.1: 18 of 1,613,962 alleles (0.0011%); highest among the groups gnomAD compares: East Asian, 0.013%; no homozygotes.

Submission:

Labcorp Genetics (formerly Invitae), Labcorp
Classification: Uncertain significance. Last evaluated: 2024-06-16. Review status: criteria provided, single submitter. Criteria: Invitae Variant Classification Sherloc (09022015). Collection method: clinical testing. Allele origin: germline.
Comment: This sequence change replaces proline, which is neutral and non-polar, with leucine, which is neutral and non-polar, at codon 1083 of the DIAPH3 protein (p.Pro1083Leu). This variant is present in population databases (rs376432274, gnomAD 0.02%). This variant has not been reported in the literature in individuals affected with DIAPH3-related conditions. An algorithm developed to predict the effect of missense changes on protein structure and function (PolyPhen-2) suggests that this variant is likely to be disruptive. In summary, the available evidence is currently insufficient to determine the role of this variant in disease. Therefore, it has been classified as a Variant of Uncertain Significance.